The following is an entry in ClinVar:

NM_032043.3(BRIP1):c.2330G>C (p.Arg777Pro)

Gene: BRIP1 (BRCA1 interacting DNA helicase 1; minus strand). Cytogenetic location: 17q23.2.
Variant type: single nucleotide variant.
Coding change: c.2330G>C on transcript NM_032043.3 (MANE Select); coding-DNA position 2330, G replaced by C.
Protein change: p.Arg777Pro; replaces arginine 777 with proline.
Molecular consequence: missense variant.
Genome position (GRCh38, 1-based): chr17:61,743,062, C>G on the plus strand (G>C on the coding strand, the complement: BRIP1 is on the minus strand). VCF-style: chr17-61743062-C-G. GRCh37 (hg19) VCF-style: chr17-59820423-C-G.
Other names: short protein forms R777P.
Identifiers: ClinVar variation 628105 (VCV000628105.16), dbSNP rs747568830, ClinGen allele CA400482620.

ClinVar aggregate classification (germline): Uncertain significance. Review status: criteria provided, multiple submitters, no conflicts (2 of 4 stars). 3 submissions from 3 submitters: Uncertain significance (3). Last evaluated 2025-02-14.

Conditions:
Hereditary cancer-predisposing syndrome. Also called: Tumor predisposition; Neoplastic Syndromes, Hereditary; Hereditary Cancer Syndrome; Hereditary neoplastic syndrome. Identifiers: Orphanet 140162, MedGen C0027672, MeSH D009386, MONDO:0015356.
Familial cancer of breast. Also called: BREAST CANCER, FAMILIAL; Hereditary breast cancer; hereditary breast carcinoma. Identifiers: Orphanet 227535, MedGen C0346153, MONDO:0016419, OMIM 114480. Disease mechanism: loss of function.
Fanconi anemia complementation group J. Also called: BRIP1-Related Fanconi Anemia. Identifiers: Orphanet 84, MedGen C1836860, MONDO:0012187, OMIM 609054.

gnomAD v4.1: 6 of 1,613,920 alleles (0.00037%); highest among the groups gnomAD compares: Non-Finnish European, 0.00042%; no homozygotes.

Submissions (3):

Ambry Genetics
Classification: Uncertain significance for Hereditary cancer-predisposing syndrome. Last evaluated: 2025-02-14. Review status: criteria provided, single submitter. Criteria: Ambry Variant Classification Scheme 2023. Collection method: clinical testing. Allele origin: germline.
Comment: The p.R777P variant (also known as c.2330G>C), located in coding exon 15 of the BRIP1 gene, results from a G to C substitution at nucleotide position 2330. The arginine at codon 777 is replaced by proline, an amino acid with dissimilar properties. This amino acid position is highly conserved in available vertebrate species. In addition, this alteration is predicted to be deleterious by in silico analysis. Based on the available evidence, the clinical significance of this variant remains unclear.

Color Diagnostics, LLC DBA Color Health
Classification: Uncertain significance for Hereditary cancer-predisposing syndrome. Last evaluated: 2023-12-05. Review status: criteria provided, single submitter. Criteria: ACMG Guidelines, 2015. Collection method: clinical testing. Allele origin: germline.
Comment: This missense variant replaces arginine with proline at codon 777 of the BRIP1 protein. Computational prediction suggests that this variant may have deleterious impact on protein structure and function (internally defined REVEL score threshold >= 0.7, PMID: 27666373). To our knowledge, functional studies have not been reported for this variant. This variant has not been reported in individuals affected with BRIP1-related disorders in the literature. This variant has not been identified in the general population by the Genome Aggregation Database (gnomAD). The available evidence is insufficient to determine the role of this variant in disease conclusively. Therefore, this variant is classified as a Variant of Uncertain Significance.

Labcorp Genetics (formerly Invitae), Labcorp
Classification: Uncertain significance for Familial cancer of breast; Fanconi anemia complementation group J. Last evaluated: 2020-07-03. Review status: criteria provided, single submitter. Criteria: Invitae Variant Classification Sherloc (09022015). Collection method: clinical testing. Allele origin: germline.
Comment: In summary, the available evidence is currently insufficient to determine the role of this variant in disease. Therefore, it has been classified as a Variant of Uncertain Significance. Algorithms developed to predict the effect of missense changes on protein structure and function (SIFT, PolyPhen-2, Align-GVGD) all suggest that this variant is likely to be disruptive, but these predictions have not been confirmed by published functional studies and their clinical significance is uncertain. This variant has not been reported in the literature in individuals with BRIP1-related conditions. ClinVar contains an entry for this variant (Variation ID: 628105). This variant is not present in population databases (ExAC no frequency). This sequence change replaces arginine with proline at codon 777 of the BRIP1 protein (p.Arg777Pro). The arginine residue is highly conserved and there is a moderate physicochemical difference between arginine and proline.